The following is an entry in ClinVar:

ClinVar aggregate classification (germline): Conflicting classifications of pathogenicity. Review status: criteria provided, conflicting classifications (1 of 4 stars). 3 submissions from 3 submitters: Uncertain significance (2); Likely benign (1). Last evaluated 2026-04-30.

Conditions:
Inborn genetic diseases. Identifiers: MedGen C0950123, MeSH D030342.
Congenital myasthenic syndrome 8. Also called: MYASTHENIC SYNDROME, CONGENITAL, DUE TO AGRIN DEFICIENCY; Myasthenic syndrome, congenital, 8, with pre- and postsynaptic defects. Identifiers: Orphanet 590, MedGen C3808739, MONDO:0014052, OMIM 615120.
AGRN-related disorder. Also called: AGRN-related condition.

Allele frequency attached by ClinVar (database versions not stated): gnomAD 0.00001 and 0.00002; TOPMed 0.00003; gnomAD exomes 0.00007.
gnomAD v4.1: 67 of 1,082,126 alleles (0.0062%); highest among the groups gnomAD compares: Middle Eastern, 0.043%; no homozygotes.

Submissions (3):

PreventionGenetics, part of Exact Sciences
Classification: Uncertain significance for AGRN-related condition. Last evaluated: 2026-04-30. Review status: criteria provided, single submitter. Criteria: ACMG Guidelines, 2015. Collection method: clinical testing. Allele origin: germline.
Comment: The AGRN c.3004G>A variant is predicted to result in the amino acid substitution p.Gly1002Ser. To our knowledge, this variant has not been reported in the literature. This variant is reported in 0.040% of alleles in individuals of East Asian descent in gnomAD. At this time, the clinical significance of this variant is uncertain due to the absence of conclusive functional and genetic evidence.

Labcorp Genetics (formerly Invitae), Labcorp
Classification: Uncertain significance for Congenital myasthenic syndrome 8. Last evaluated: 2026-01-19. Review status: criteria provided, single submitter. Criteria: Invitae Variant Classification Sherloc (09022015). Collection method: clinical testing. Allele origin: germline.
Comment: This sequence change replaces glycine, which is neutral and non-polar, with serine, which is neutral and polar, at codon 1002 of the AGRN protein (p.Gly1002Ser). This variant is present in population databases (rs757677789, gnomAD 0.04%). This variant has not been reported in the literature in individuals affected with AGRN-related conditions. ClinVar contains an entry for this variant (Variation ID: 855474). An algorithm developed to predict the effect of missense changes on protein structure and function outputs the following: PolyPhen-2: "Benign". The serine amino acid residue is found in multiple mammalian species, which suggests that this missense change does not adversely affect protein function. In summary, the available evidence is currently insufficient to determine the role of this variant in disease. Therefore, it has been classified as a Variant of Uncertain Significance.

Ambry Genetics
Classification: Likely benign for Inborn genetic diseases. Last evaluated: 2021-12-06. Review status: criteria provided, single submitter. Criteria: Ambry Variant Classification Scheme 2023. Collection method: clinical testing. Allele origin: germline.

NM_198576.4(AGRN):c.3004G>A (p.Gly1002Ser)

Gene: AGRN (agrin; plus strand). Cytogenetic location: 1p36.33.
Variant type: single nucleotide variant.
Coding change: c.3004G>A on transcript NM_198576.4 (MANE Select); coding-DNA position 3004, G replaced by A.
Protein change: p.Gly1002Ser; replaces glycine 1002 with serine.
Molecular consequence: missense variant.
Genome position (GRCh38, 1-based): chr1:1,046,489, G>A. VCF-style: chr1-1046489-G-A. GRCh37 (hg19) VCF-style: chr1-981869-G-A.
Other names: c.3004G>A, p.Gly1002Ser (NM_001305275.2); c.2689G>A, p.Gly897Ser (NM_001364727.2); short protein forms G1002S, G897S.
Identifiers: ClinVar variation 855474 (VCV000855474.10), dbSNP rs757677789, ClinGen allele CA508913.